The following is an entry in ClinVar:

ClinVar aggregate classification (germline): Uncertain significance (1 of 4 stars; one submission).

Conditions:
Leigh syndrome (NULS). Also called: Leigh's necrotizing encephalopathy; Leigh's disease; Leigh Syndrome (mtDNA deletion); Leigh Disease; Subacute necrotizing encephalopathy; Necrotizing encephalopathy infantile subacute of Leigh. Identifiers: Orphanet 506, MedGen C2931891, MONDO:0009723, OMIM 256000.

Submission:

Wong Mito Lab, Molecular and Human Genetics, Baylor College of Medicine
Classification: Uncertain significance for Leigh syndrome. Last evaluated: 2019-10-17. Review status: criteria provided, single submitter. Criteria: Modified ACMG Guidelines (Unpublished). Collection method: clinical testing. Allele origin: germline.
Comment: The NC_012920.1:m.3607G>A (YP_003024026.1:p.Gly101Ser) variant in MTND1 gene is interpretated to be a Uncertain Significance variant based on the modified ACMG guidelines (unpublished). This variant meets the following evidence codes: PP7

NC_012920.1(MT-ND1):m.3607G>A

Gene: MT-ND1 (mitochondrially encoded NADH dehydrogenase 1; plus strand).
Variant type: single nucleotide variant.
Genome position: chrM-3607-G-A.
Identifiers: ClinVar variation 692377 (VCV000692377.1), dbSNP rs1556422761, ClinGen allele CA414773132.